The following is an entry in ClinVar:

NM_001164508.2(NEB):c.21371G>A (p.Arg7124His)

Genes: RIF1 (replication timing regulatory factor 1; plus strand), NEB (nebulin; minus strand). Cytogenetic location: 2q23.3.
Variant type: single nucleotide variant.
Coding change: c.21371G>A on transcript NM_001164508.2 (MANE Select); coding-DNA position 21371, G replaced by A.
Protein change: p.Arg7124His; replaces arginine 7124 with histidine.
Molecular consequence: missense variant. On other transcripts: intron variant (2).
Genome position (GRCh38, 1-based): chr2:151,533,488, C>T on the plus strand (G>A on the coding strand, the complement: NEB is on the minus strand). VCF-style: chr2-151533488-C-T. GRCh37 (hg19) VCF-style: chr2-152390002-C-T.
Other names: c.21476G>A, p.Arg7159His (NM_001271208.2); c.16314+727G>A (NM_004543.5); c.21417+727G>A (NM_001164507.2); short protein forms R7159H, R7124H.
Identifiers: ClinVar variation 465549 (VCV000465549.53), dbSNP rs201094791, ClinGen allele CA1906981.
Genomic context (GRCh38, chr2:151,533,488, plus strand): 5'-CCATCAGACATTACCTGGCTCCACATATGCGAATTGTAGAGAGCAGTCAACATATCTGGA[C>T]GCAGAATTTCATTACATCCATGTTGCAGAAACATCTTGGCACTAGATTTATATTTTCTCT-3'
Protein context (NP_001157980.2, residues 7114-7134): FLQHGCNEIL[Arg7124His]PDMLTALYNS

ClinVar aggregate classification (germline): Conflicting classifications of pathogenicity. Review status: criteria provided, conflicting classifications (1 of 4 stars). 3 submissions from 3 submitters: Uncertain significance (2); Likely benign (1). Last evaluated 2026-01-24.

Conditions:
Nemaline myopathy 2 (NEM2). Also called: Nemaline myopathy 2, autosomal recessive. Identifiers: MedGen C1850569, MONDO:0009725, OMIM 256030.

Allele frequency attached by ClinVar (database versions not stated): gnomAD exomes 0.00013 and 0.00030; gnomAD 0.00020; TOPMed 0.00023; ExAC 0.00045.
gnomAD v4.1: 234 of 1,551,508 alleles (0.015%); highest among the groups gnomAD compares: African/African-American, 0.029%; no homozygotes.

Submissions (3):

Labcorp Genetics (formerly Invitae), Labcorp
Classification: Likely benign for Nemaline myopathy 2. Last evaluated: 2026-01-24. Review status: criteria provided, single submitter. Criteria: Invitae Variant Classification Sherloc (09022015). Collection method: clinical testing. Allele origin: germline.

Blueprint Genetics
Classification: Uncertain significance. Last evaluated: 2024-10-23. Review status: criteria provided, single submitter. Criteria: ACMG Guidelines, 2015. Collection method: clinical testing. Allele origin: germline.

GeneDx
Classification: Uncertain significance. Last evaluated: 2024-10-08. Review status: criteria provided, single submitter. Criteria: GeneDx Variant Classification Process June 2021. Collection method: clinical testing. Allele origin: germline. Affected: yes.
Comment: In silico analysis indicates that this missense variant does not alter protein structure/function; Has not been previously published as pathogenic or benign to our knowledge